The following is an entry in ClinVar:

NM_000719.7(CACNA1C):c.2407A>G (p.Lys803Glu)

Gene: CACNA1C (calcium voltage-gated channel subunit alpha1 C; plus strand). Cytogenetic location: 12p13.33.
Variant type: single nucleotide variant.
Coding change: c.2407A>G on transcript NM_000719.7 (MANE Select); coding-DNA position 2407, A replaced by G.
Protein change: p.Lys803Glu; replaces lysine 803 with glutamic acid.
Molecular consequence: missense variant.
Genome position (GRCh38, 1-based): chr12:2,585,443, A>G. VCF-style: chr12-2585443-A-G. GRCh37 (hg19) VCF-style: chr12-2694609-A-G.
Other names: c.2407A>G, p.Lys803Glu (NM_001129827.2, NM_001129829.2, NM_001129830.3 and 18 more transcripts); c.2398A>G, p.Lys800Glu (NM_001129844.2); short protein forms K800E, K803E.
Identifiers: ClinVar variation 1948485 (VCV001948485.5), dbSNP rs2515455152, ClinGen allele CA383371755.

ClinVar aggregate classification (germline): Uncertain significance (1 of 4 stars; one submission).

Conditions:
Long QT syndrome (LQTS). Identifiers: MedGen C0023976, MeSH D008133, MONDO:0002442. Disease mechanism: loss of function. Inheritance: Various modes of inheritance.

Submission:

Labcorp Genetics (formerly Invitae), Labcorp
Classification: Uncertain significance for Long QT syndrome. Last evaluated: 2022-03-26. Review status: criteria provided, single submitter. Criteria: Invitae Variant Classification Sherloc (09022015). Collection method: clinical testing. Allele origin: germline.
Comment: In summary, the available evidence is currently insufficient to determine the role of this variant in disease. Therefore, it has been classified as a Variant of Uncertain Significance. Algorithms developed to predict the effect of missense changes on protein structure and function are either unavailable or do not agree on the potential impact of this missense change (SIFT: "Tolerated"; PolyPhen-2: "Possibly Damaging"; Align-GVGD: "Class C0"). This variant has not been reported in the literature in individuals affected with CACNA1C-related conditions. This variant is not present in population databases (gnomAD no frequency). This sequence change replaces lysine, which is basic and polar, with glutamic acid, which is acidic and polar, at codon 803 of the CACNA1C protein (p.Lys803Glu).